The following is an entry in ClinVar:

ClinVar aggregate classification (germline): Uncertain significance (1 of 4 stars; one submission).

Conditions:
Congenital contractural arachnodactyly (CCA). Also called: BEALS SYNDROME; Beals-Hecht syndrome; Arthrogryposis, distal, type 9. Identifiers: Orphanet 115, MedGen C0220668, MONDO:0007363, OMIM 121050.

Submission:

Labcorp Genetics (formerly Invitae), Labcorp
Classification: Uncertain significance for Congenital contractural arachnodactyly. Last evaluated: 2018-06-20. Review status: criteria provided, single submitter. Criteria: Invitae Variant Classification Sherloc (09022015). Collection method: clinical testing. Allele origin: germline.
Comment: This variant has not been reported in the literature in individuals with FBN2-related disease. This sequence change replaces arginine with glycine at codon 1279 of the FBN2 protein (p.Arg1279Gly). The arginine residue is highly conserved and there is a moderate physicochemical difference between arginine and glycine. This variant is not present in population databases (ExAC no frequency). Algorithms developed to predict the effect of missense changes on protein structure and function (SIFT, PolyPhen-2, Align-GVGD) all suggest that this variant is likely to be disruptive, but these predictions have not been confirmed by published functional studies and their clinical significance is uncertain. In summary, the available evidence is currently insufficient to determine the role of this variant in disease. Therefore, it has been classified as a Variant of Uncertain Significance.

NM_001999.4(FBN2):c.3835A>G (p.Arg1279Gly)

Gene: FBN2 (fibrillin 2; minus strand). Cytogenetic location: 5q23.3.
Variant type: single nucleotide variant.
Coding change: c.3835A>G on transcript NM_001999.4 (MANE Select); coding-DNA position 3835, A replaced by G.
Protein change: p.Arg1279Gly; replaces arginine 1279 with glycine.
Molecular consequence: missense variant.
Genome position (GRCh38, 1-based): chr5:128,335,467, T>C on the plus strand (A>G on the coding strand, the complement: FBN2 is on the minus strand). VCF-style: chr5-128335467-T-C. GRCh37 (hg19) VCF-style: chr5-127671159-T-C.
Other names: short protein forms R1279G.
Identifiers: ClinVar variation 578033 (VCV000578033.9), dbSNP rs1561776564, ClinGen allele CA360757919.